The following is an entry in ClinVar:

NM_000038.6(APC):c.1609A>G (p.Ser537Gly)

Gene: APC (APC regulator of Wnt signaling pathway; plus strand). Cytogenetic location: 5q22.2.
Variant type: single nucleotide variant.
Coding change: c.1609A>G on transcript NM_000038.6 (MANE Select); coding-DNA position 1609, A replaced by G.
Protein change: p.Ser537Gly; replaces serine 537 with glycine.
Molecular consequence: missense variant.
Genome position (GRCh38, 1-based): chr5:112,827,989, A>G. VCF-style: chr5-112827989-A-G. GRCh37 (hg19) VCF-style: chr5-112163686-A-G.
Other names: c.1609A>G, p.Ser537Gly (NM_001127510.3, NM_001354895.2); c.1555A>G, p.Ser519Gly (NM_001127511.3); c.1663A>G, p.Ser555Gly (NM_001354896.2); c.1639A>G, p.Ser547Gly (NM_001354897.2); c.1534A>G, p.Ser512Gly (NM_001354898.2); c.1525A>G, p.Ser509Gly (NM_001354899.2); c.1486A>G, p.Ser496Gly (NM_001354900.2); c.1432A>G, p.Ser478Gly (NM_001354901.2); and 5 more; short protein forms S519G, S537G, S411G, S478G, S555G, S377G, S436G, S446G.
Identifiers: ClinVar variation 231235 (VCV000231235.10), dbSNP rs876659043, ClinGen allele CA10578320.
Genomic context (GRCh38, chr5:112,827,989, plus strand): 5'-GCTACGCTATGCTCTATGAAAGGCTGCATGAGAGCACTTGTGGCCCAACTAAAATCTGAA[A>G]GTGAAGACTTACAGCAGGTACTATTTAGAATTTCACCTGTTTTTCTTTTTTCTCTTTTTC-3'
Protein context (NP_000029.2, residues 527-547): RALVAQLKSE[Ser537Gly]EDLQQVIASV

ClinVar aggregate classification (germline): Uncertain significance. Review status: criteria provided, multiple submitters, no conflicts (2 of 4 stars). 3 submissions from 3 submitters: Uncertain significance (3). Last evaluated 2025-12-24.

Conditions:
Familial adenomatous polyposis 1 (FAP1). Also called: FAMILIAL ADENOMATOUS POLYPOSIS 1, ATTENUATED; POLYPOSIS, ADENOMATOUS INTESTINAL. Identifiers: MedGen C2713442, MONDO:0021056, OMIM 175100. Disease mechanism: loss of function.
Hereditary cancer-predisposing syndrome. Also called: Neoplastic Syndromes, Hereditary; Tumor predisposition; Hereditary Cancer Syndrome; Hereditary neoplastic syndrome. Identifiers: Orphanet 140162, MedGen C0027672, MeSH D009386, MONDO:0015356.

Submissions (3):

Labcorp Genetics (formerly Invitae), Labcorp
Classification: Uncertain significance for Familial adenomatous polyposis 1. Last evaluated: 2025-12-24. Review status: criteria provided, single submitter. Criteria: Invitae Variant Classification Sherloc (09022015). Collection method: clinical testing. Allele origin: germline.
Comment: This sequence change replaces serine, which is neutral and polar, with glycine, which is neutral and non-polar, at codon 537 of the APC protein (p.Ser537Gly). This variant is not present in population databases (gnomAD no frequency). This variant has not been reported in the literature in individuals affected with APC-related conditions. ClinVar contains an entry for this variant (Variation ID: 231235). Invitae Evidence Modeling of protein sequence and biophysical properties (such as structural, functional, and spatial information, amino acid conservation, physicochemical variation, residue mobility, and thermodynamic stability) indicates that this missense variant is not expected to disrupt APC protein function with a negative predictive value of 95%. In summary, the available evidence is currently insufficient to determine the role of this variant in disease. Therefore, it has been classified as a Variant of Uncertain Significance.

Ambry Genetics
Classification: Uncertain significance for Hereditary cancer-predisposing syndrome. Last evaluated: 2025-12-12. Review status: criteria provided, single submitter. Criteria: Ambry Variant Classification Scheme 2023. Collection method: clinical testing. Allele origin: germline.
Comment: The p.S537G variant (also known as c.1609A>G), located in coding exon 12 of the APC gene, results from an A to G substitution at nucleotide position 1609. The serine at codon 537 is replaced by glycine, an amino acid with similar properties. This amino acid position is highly conserved in available vertebrate species. In addition, in silico predictors for this gene do not accurately predict pathogenicity. Based on the available evidence, the clinical significance of this variant remains unclear.

Sema4
Classification: Uncertain significance for Hereditary cancer-predisposing syndrome. Last evaluated: 2022-03-05. Review status: criteria provided, single submitter. Criteria: Sema4 Curation Guidelines. Collection method: curation. Allele origin: germline.
Comment: The APC c.1609A>G(p.S537G) variant has not been reported in the literature to our knowledge. It was not observed in the population database Genome Aggregation Database (PMID: 32461654). This variant has been reported in ClinVar (Variation ID: 231235). Functional studies have not been performed, and in silico predictions of the variant's effect on protein function are inconclusive. The evidence is insufficient to meet ACMG/AMP criteria for classifying the variant as benign or pathogenic. Thus, the clinical significance of this variant is currently uncertain.

Literature cited by the submitters: PubMed 18199528 (cited by Ambry Genetics).